The following is an entry in ClinVar:

ClinVar aggregate classification (germline): Benign. Review status: criteria provided, multiple submitters, no conflicts (2 of 4 stars). 2 submissions from 2 submitters: Benign (2). Last evaluated 2018-06-18.

Allele frequency attached by ClinVar (database versions not stated): gnomAD 0.02740 and 0.02927; ESP Exome Variant Server 0.02757; TOPMed 0.02974; 1000 Genomes Project 0.03075; 1000 Genomes Project 30x 0.03186.
gnomAD v4.1: 7,369 of 1,271,630 alleles (0.58%); highest among the groups gnomAD compares: African/African-American, 9.4%; 333 homozygotes.

Submissions (2):

GeneDx
Classification: Benign. Last evaluated: 2018-06-18. Review status: criteria provided, single submitter. Criteria: GeneDx Variant Classification (06012015). Collection method: clinical testing. Allele origin: germline. Affected: yes.
Comment: This variant is considered likely benign or benign based on one or more of the following criteria: it is a conservative change, it occurs at a poorly conserved position in the protein, it is predicted to be benign by multiple in silico algorithms, and/or has population frequency not consistent with disease.

Breakthrough Genomics
Classification: Benign. Review status: criteria provided, single submitter. Criteria: ACMG Guidelines, 2015. Collection method: not provided. Allele origin: germline. Inheritance: Autosomal dominant inheritance. Affected: yes.

NM_001042492.3(NF1):c.1260+59G>A

Gene: NF1 (neurofibromin 1; plus strand). Cytogenetic location: 17q11.2.
Variant type: single nucleotide variant.
Coding change: c.1260+59G>A on transcript NM_001042492.3 (MANE Select); 59 bases into the intron after coding-DNA position 1260, G replaced by A.
Molecular consequence: intron variant.
Genome position (GRCh38, 1-based): chr17:31,201,544, G>A. VCF-style: chr17-31201544-G-A. GRCh37 (hg19) VCF-style: chr17-29528562-G-A.
Other names: c.1260+59G>A (NM_000267.4, NM_001128147.3).
Identifiers: ClinVar variation 561487 (VCV000561487.2), dbSNP rs17885375, ClinGen allele CA289349564.
Genomic context (GRCh38, chr17:31,201,544, plus strand): 5'-ATGTAAGTCCAAAAGGTATTGCTAAATTACTAAAAAAATTTTTTTCTTTCTTTTCTTTGC[G>A]TATTTCTTTTTAAGAAATGCACTCTTGGTTTTCAAAAAGGTTCTGAATTTAGATGTATGA-3'